The following is an entry in ClinVar:

ClinVar aggregate classification (germline): Likely benign (1 of 4 stars; one submission).

Allele frequency attached by ClinVar (database versions not stated): 1000 Genomes Project 0.00020; 1000 Genomes Project 30x 0.00031; gnomAD exomes 0.00116; gnomAD 0.00130; ExAC 0.00143; TOPMed 0.00156; ESP Exome Variant Server 0.00231.
gnomAD v4.1: 1,967 of 1,613,760 alleles (0.12%); highest among the groups gnomAD compares: Middle Eastern, 0.33%; 24 homozygotes.

Submission:

CeGaT Center for Human Genetics Tuebingen
Classification: Likely benign. Last evaluated: 2024-06-01. Review status: criteria provided, single submitter. Criteria: CeGaT Center For Human Genetics Tuebingen Variant Classification Criteria Version 2. Collection method: clinical testing. Allele origin: germline. Affected: yes. Observed: 2 variant alleles.
Comment: CENPT: BP4, BS2

NM_025082.4(CENPT):c.116G>A (p.Arg39Gln)

Gene: CENPT (centromere protein T; minus strand). Cytogenetic location: 16q22.1.
Variant type: single nucleotide variant.
Coding change: c.116G>A on transcript NM_025082.4 (MANE Select); coding-DNA position 116, G replaced by A.
Protein change: p.Arg39Gln; replaces arginine 39 with glutamine.
Molecular consequence: missense variant.
Genome position (GRCh38, 1-based): chr16:67,832,540, C>T on the plus strand (G>A on the coding strand, the complement: CENPT is on the minus strand). VCF-style: chr16-67832540-C-T. GRCh37 (hg19) VCF-style: chr16-67866443-C-T.
Other names: short protein forms R39Q.
Identifiers: ClinVar variation 2672645 (VCV002672645.23), dbSNP rs200885136, ClinGen allele CA8118036.